The following is an entry in ClinVar:

ClinVar aggregate classification (germline): Uncertain significance (1 of 4 stars; one submission).

Conditions:
Cardiovascular phenotype. Identifiers: MedGen CN230736.

Submission:

Ambry Genetics
Classification: Uncertain significance for Cardiovascular phenotype. Last evaluated: 2024-01-05. Review status: criteria provided, single submitter. Criteria: Ambry Variant Classification Scheme 2023. Collection method: clinical testing. Allele origin: germline.
Comment: The c.20965+1G>T intronic variant results from a G to T substitution one nucleotide after coding exon 83 of the TTN gene. Coding exon 83 is located in the A-band region of the N2-B isoform of the titin protein and is constitutively expressed in TTN transcripts (percent spliced in or PSI 100%). This nucleotide position is highly conserved in available vertebrate species. In silico splice site analysis predicts that this alteration will weaken the native splice donor site. This alteration disrupts the canonical splice site and is expected to cause aberrant splicing. However, although direct evidence is unavailable, this alteration is predicted to result in an in-frame transcript that is not expected to trigger nonsense-mediated mRNA decay. The exact functional effect of the predicted splice impact is unknown. Since supporting evidence is limited at this time, the clinical significance of this alteration remains unclear.

NM_001267550.2(TTN):c.48160+1G>T

Genes: TTN (titin; minus strand), TTN-AS1 (TTN antisense RNA 1; plus strand). Cytogenetic location: 2q31.2.
Variant type: single nucleotide variant.
Coding change: c.48160+1G>T on transcript NM_001267550.2 (MANE Select); the canonical splice donor site of the intron after coding-DNA position 48160, G replaced by T.
Molecular consequence: splice donor variant.
Genome position (GRCh38, 1-based): chr2:178,616,728, C>A on the plus strand (G>T on the coding strand, the complement: TTN is on the minus strand). VCF-style: chr2-178616728-C-A. GRCh37 (hg19) VCF-style: chr2-179481455-C-A.
Other names: c.20965+1G>T (NM_003319.4); c.21541+1G>T (NM_133437.4); c.21340+1G>T (NM_133432.3); c.40456+1G>T (NM_133378.4); c.43237+1G>T (NM_001256850.1).
Identifiers: ClinVar variation 3223218 (VCV003223218.1), dbSNP rs779498825, ClinGen allele CA349611885.